The following is an entry in ClinVar:

NM_207122.2(EXT2):c.906_907dup (p.His303fs)

Gene: EXT2 (exostosin glycosyltransferase 2; plus strand). Cytogenetic location: 11p11.2.
Variant type: Duplication.
Coding change: c.906_907dup on transcript NM_207122.2 (MANE Select); coding-DNA positions 906 to 907, 2 bases duplicated (GC; older notation c.906_907dupGC).
Protein change: p.His303fs; shifts the reading frame from histidine 303.
Molecular consequence: frameshift variant.
Genome position (GRCh38, 1-based): chr11:44,124,951-44,124,952, GC duplicated. VCF-style (leftmost placement, unchanged base first): chr11-44124950-A-AGC. GRCh37 (hg19) VCF-style: chr11-44146500-A-AGC.
Other names: c.906_907dupGC (NM_207122.1); c.1005_1006dup, p.His336fs (NM_000401.3); c.906_907dup, p.His303fs (NM_001178083.3, NM_001389628.1, NM_001389630.1); short protein forms H336fs, H303fs.
Identifiers: ClinVar variation 279805 (VCV000279805.14), dbSNP rs886041199, ClinGen allele CA10603209.

ClinVar aggregate classification (germline): Pathogenic. Review status: criteria provided, multiple submitters, no conflicts (2 of 4 stars). 3 submissions from 3 submitters: Pathogenic (3). Last evaluated 2026-01-23.

Conditions:
Exostoses, multiple, type 2 (EXT2). Also called: Hereditary Multiple Osteochondromatosis, Type II; EXOSTOSES, MULTIPLE, TYPE II. Identifiers: Orphanet 321, MedGen C1851413, MONDO:0007586, OMIM 133701.
Seizures-scoliosis-macrocephaly syndrome. Also called: Seizures, scoliosis, and macrocephaly syndrome; SEIZURES, SCOLIOSIS, AND MACROCEPHALY/MICROCEPHALY SYNDROME. Identifiers: Orphanet 466926, MedGen C4225248, MONDO:0014731, OMIM 616682.

Allele frequency attached by ClinVar (database versions not stated): gnomAD exomes below 0.00001.

Submissions (3):

Labcorp Genetics (formerly Invitae), Labcorp
Classification: Pathogenic for Exostoses, multiple, type 2. Last evaluated: 2026-01-23. Review status: criteria provided, single submitter. Criteria: Invitae Variant Classification Sherloc (09022015). Collection method: clinical testing. Allele origin: germline.
Comment: This sequence change creates a premature translational stop signal (p.His303Argfs*30) in the EXT2 gene. It is expected to result in an absent or disrupted protein product. Loss-of-function variants in EXT2 are known to be pathogenic (PMID: 10679937, 19810120). This variant is not present in population databases (gnomAD no frequency). This premature translational stop signal has been observed in individual(s) with autosomal dominant hereditary multiple exostoses (PMID: 10750558, 11169766, 20425833). Invitae Evidence Modeling of clinical and family history, age, sex, and reported ancestry of multiple individuals with this EXT2 variant has been performed. This variant is expected to be pathogenic with a positive predictive value of at least 99%. This is a validated machine learning model that incorporates the clinical features of 66,185 individuals referred to our laboratory for EXT2 testing. This variant is also known as 907insGC. ClinVar contains an entry for this variant (Variation ID: 279805). For these reasons, this variant has been classified as Pathogenic.

GeneDx
Classification: Pathogenic. Last evaluated: 2024-11-04. Review status: criteria provided, single submitter. Criteria: GeneDx Variant Classification Process June 2021. Collection method: clinical testing. Allele origin: germline. Affected: yes.
Comment: Identified in patients with hereditary multiple exostoses in published literature (PMID: 20425833, 10750558, 11169766); Frameshift variant predicted to result in protein truncation or nonsense mediated decay in a gene for which loss-of-function is a known mechanism of disease; Not observed at significant frequency in large population cohorts (gnomAD); This variant is associated with the following publications: (PMID: 11169766, 10750558, 20425833)

Fulgent Genetics
Classification: Pathogenic for Exostoses, multiple, type 2; Seizures-scoliosis-macrocephaly syndrome. Last evaluated: 2021-09-18. Review status: criteria provided, single submitter. Criteria: ACMG Guidelines, 2015. Collection method: clinical testing. Allele origin: unknown.

Literature cited by the submitters: PubMed 10679937 (cited by Labcorp Genetics (formerly Invitae), Labcorp); PubMed 19810120 (cited by Labcorp Genetics (formerly Invitae), Labcorp); PubMed 10750558 (cited by Labcorp Genetics (formerly Invitae), Labcorp); PubMed 11169766 (cited by Labcorp Genetics (formerly Invitae), Labcorp); PubMed 20425833 (cited by Labcorp Genetics (formerly Invitae), Labcorp).